The following is an entry in ClinVar:

NM_000051.4(ATM):c.8108A>T (p.Asp2703Val)

Genes: ATM (ATM serine/threonine kinase; plus strand), C11orf65 (chromosome 11 open reading frame 65; minus strand). Cytogenetic location: 11q22.3.
Variant type: single nucleotide variant.
Coding change: c.8108A>T on transcript NM_000051.4 (MANE Select); coding-DNA position 8108, A replaced by T.
Protein change: p.Asp2703Val; replaces aspartic acid 2703 with valine.
Molecular consequence: missense variant. On other transcripts: intron variant (2).
Genome position (GRCh38, 1-based): chr11:108,335,066, A>T. VCF-style: chr11-108335066-A-T. GRCh37 (hg19) VCF-style: chr11-108205793-A-T.
Other names: c.8108A>T, p.Asp2703Val (NM_001351834.2); c.641-25995T>A (NM_001330368.2); c.*38+154T>A (NM_001351110.2); short protein forms D2703V.
Identifiers: ClinVar variation 582704 (VCV000582704.12), dbSNP rs1565541059, ClinGen allele CA382562127.

ClinVar aggregate classification (germline): Uncertain significance. Review status: criteria provided, multiple submitters, no conflicts (2 of 4 stars). 2 submissions from 2 submitters: Uncertain significance (2). Last evaluated 2026-06-01.

Conditions:
Hereditary cancer-predisposing syndrome. Also called: Hereditary Cancer Syndrome; Neoplastic Syndromes, Hereditary; Tumor predisposition; Hereditary neoplastic syndrome. Identifiers: Orphanet 140162, MedGen C0027672, MeSH D009386, MONDO:0015356.
Ataxia-telangiectasia syndrome (AT). Also called: Cerebello-oculocutaneous telangiectasia; Immunodeficiency with ataxia telangiectasia; Ataxia-telangiectasia, complementation group E; Ataxia-telangiectasia, complementation group D; AT, COMPLEMENTATION GROUP C; ATAXIA-TELANGIECTASIA, COMPLEMENTATION GROUP A. Identifiers: Orphanet 100, MedGen C0004135, MONDO:0008840, OMIM 208900.

Submissions (2):

Ambry Genetics
Classification: Uncertain significance for Hereditary cancer-predisposing syndrome. Last evaluated: 2026-06-01. Review status: criteria provided, single submitter. Criteria: Ambry Variant Classification Scheme 2023. Collection method: clinical testing. Allele origin: germline.
Comment: The p.D2703V variant (also known as c.8108A>T), located in coding exon 54 of the ATM gene, results from an A to T substitution at nucleotide position 8108. The aspartic acid at codon 2703 is replaced by valine, an amino acid with highly dissimilar properties. This amino acid position is highly conserved in available vertebrate species. In addition, this alteration is predicted to be deleterious by in silico analysis. Based on the available evidence, the clinical significance of this variant remains unclear.

Labcorp Genetics (formerly Invitae), Labcorp
Classification: Uncertain significance for Ataxia-telangiectasia syndrome. Last evaluated: 2019-10-15. Review status: criteria provided, single submitter. Criteria: Invitae Variant Classification Sherloc (09022015). Collection method: clinical testing. Allele origin: germline.
Comment: This sequence change replaces aspartic acid with valine at codon 2703 of the ATM protein (p.Asp2703Val). The aspartic acid residue is moderately conserved and there is a large physicochemical difference between aspartic acid and valine. In summary, the available evidence is currently insufficient to determine the role of this variant in disease. Therefore, it has been classified as a Variant of Uncertain Significance. Algorithms developed to predict the effect of missense changes on protein structure and function (SIFT, PolyPhen-2, Align-GVGD) all suggest that this variant is likely to be tolerated, but these predictions have not been confirmed by published functional studies and their clinical significance is uncertain. This variant has not been reported in the literature in individuals with ATM-related conditions. ClinVar contains an entry for this variant (Variation ID: 582704). This variant is not present in population databases (ExAC no frequency).